The following is an entry in ClinVar:

NM_004415.4(DSP):c.4350G>A (p.Glu1450=)

Gene: DSP (desmoplakin; plus strand). Cytogenetic location: 6p24.3.
Variant type: single nucleotide variant.
Coding change: c.4350G>A on transcript NM_004415.4 (MANE Select); coding-DNA position 4350, G replaced by A.
Protein change: p.Glu1450=; no amino-acid change (glutamic acid 1450 retained).
Molecular consequence: synonymous variant. On other transcripts: intron variant (2).
Genome position (GRCh38, 1-based): chr6:7,580,540, G>A. VCF-style: chr6-7580540-G-A. GRCh37 (hg19) VCF-style: chr6-7580773-G-A.
Other names: c.4350G>A (LRG_423t1); c.4050+300G>A (NM_001319034.2); c.3582+768G>A (NM_001008844.3).
Identifiers: ClinVar variation 629508 (VCV000629508.10), dbSNP rs1561698730, ClinGen allele CA448714737.

ClinVar aggregate classification (germline): Likely benign. Review status: criteria provided, multiple submitters, no conflicts (2 of 4 stars). 3 submissions from 3 submitters: Likely benign (3). Last evaluated 2024-07-20.

Conditions:
Arrhythmogenic cardiomyopathy with wooly hair and keratoderma. Also called: PALMOPLANTAR KERATODERMA WITH LEFT VENTRICULAR CARDIOMYOPATHY AND WOOLLY HAIR; Carvajal syndrome; Dilated cardiomyopathy with woolly hair and keratoderma; Arrhythmogenic cardiomyopathy with woolly hair and keratoderma. Identifiers: Orphanet 65282, MedGen C1854063, MONDO:0011581, OMIM 605676.
Arrhythmogenic right ventricular dysplasia 8 (ARVD8). Also called: ARRHYTHMOGENIC RIGHT VENTRICULAR DYSPLASIA, FAMILIAL, 8; ARRHYTHMOGENIC RIGHT VENTRICULAR CARDIOMYOPATHY 8; Arrhythmogenic Right Ventricular Dysplasia/Cardiomyopathy 8. Identifiers: MedGen C1843896, MONDO:0011831, OMIM 607450.
Cardiomyopathy (CMYO). Also called: Cardiomyopathies. Identifiers: Orphanet 167848, MedGen C0878544, MONDO:0004994, HP:0001638. Inheritance: Various modes of inheritance.

Submissions (3):

All of Us Research Program, National Institutes of Health
Classification: Likely benign for Arrhythmogenic cardiomyopathy with wooly hair and keratoderma. Last evaluated: 2024-07-20. Review status: criteria provided, single submitter. Criteria: ACMG Guidelines, 2015. Collection method: clinical testing. Allele origin: germline. Inheritance: Autosomal dominant inheritance. Observed: 1 variant allele, 1 heterozygote.
Comment: This study involves interpretation of variants in research participants for the purpose of population health screening. Participant phenotype was not available at the time of variant classification. Additional details can be found in publication PMID: 35346344, PMCID: PMC8962531

Labcorp Genetics (formerly Invitae), Labcorp
Classification: Likely benign for Arrhythmogenic cardiomyopathy with wooly hair and keratoderma; Arrhythmogenic right ventricular dysplasia 8. Last evaluated: 2023-10-14. Review status: criteria provided, single submitter. Criteria: Invitae Variant Classification Sherloc (09022015). Collection method: clinical testing. Allele origin: germline.

Color Diagnostics, LLC DBA Color Health
Classification: Likely benign for Cardiomyopathy. Last evaluated: 2018-10-15. Review status: criteria provided, single submitter. Criteria: ACMG Guidelines, 2015. Collection method: clinical testing. Allele origin: germline.